The following is an entry in ClinVar:

ClinVar aggregate classification (germline): Likely pathogenic (1 of 4 stars; one submission).

Conditions:
Creatine transporter deficiency (CCDS1). Also called: Mental retardation , X-linked with seizures, short stature and midface hypoplasia; Mental retardation , X-linked, with creatine transport deficiency; X-linked creatine transporter deficiency; X-linked creatine deficiency syndrome; SLC6A8-Related Creatine Transporter Deficiency; CREATINE TRANSPORTER DEFECT. Identifiers: Orphanet 52503, MedGen C1845862, MONDO:0010305, OMIM 300352.

Submission:

3billion
Classification: Likely pathogenic for Creatine transporter deficiency. Last evaluated: 2025-08-22. Review status: criteria provided, single submitter. Criteria: ACMG Guidelines, 2015. Collection method: clinical testing. Allele origin: germline. Affected: yes.
Comment: The variant is not observed in the gnomAD v4.1.0 dataset. Predicted Consequence/Location: Frameshift: predicted to result in a loss or disruption of normal protein function through nonsense-mediated decay (NMD) or protein truncation. Multiple pathogenic variants are reported downstream of the variant. Therefore, this variant is classified as Likely pathogenic according to the recommendation of ACMG/AMP guideline.

NM_005629.4(SLC6A8):c.348del (p.Met116fs)

Gene: SLC6A8 (solute carrier family 6 member 8; plus strand). Cytogenetic location: Xq28.
Variant type: Deletion.
Coding change: c.348del on transcript NM_005629.4 (MANE Select); coding-DNA position 348, one base deleted (G; older notation c.348delG).
Protein change: p.Met116fs; shifts the reading frame from methionine 116.
Molecular consequence: frameshift variant. On other transcripts: initiator codon variant (1).
Genome position (GRCh38, 1-based): chrX:153,690,460, G deleted. VCF-style (leftmost placement, unchanged base first): chrX-153690459-TG-T. GRCh37 (hg19) VCF-style: chrX-152955914-TG-T.
Other names: c.348del, p.Met116fs (NM_001142805.2); c.3del, p.Met1fs (NM_001142806.1); short protein forms M116fs, M1fs.
Identifiers: ClinVar variation 4855425 (VCV004855425.1).